The following is an entry in ClinVar:

NM_022773.4(LMF1):c.791G>A (p.Arg264His)

Gene: LMF1 (lipase maturation factor 1; minus strand). Cytogenetic location: 16p13.3.
Variant type: single nucleotide variant.
Coding change: c.791G>A on transcript NM_022773.4 (MANE Select); coding-DNA position 791, G replaced by A.
Protein change: p.Arg264His; replaces arginine 264 with histidine.
Molecular consequence: missense variant. On other transcripts: non-coding transcript variant (1).
Genome position (GRCh38, 1-based): chr16:879,676, C>T on the plus strand (G>A on the coding strand, the complement: LMF1 is on the minus strand). VCF-style: chr16-879676-C-T. GRCh37 (hg19) VCF-style: chr16-929676-C-T.
Other names: c.140G>A, p.Arg47His (NM_001352017.2, NM_001352021.2); c.392G>A, p.Arg131His (NM_001352018.2); c.464G>A, p.Arg155His (NM_001352019.2); c.791G>A, p.Arg264His (NM_001352020.1); short protein forms R264H, R47H, R131H, R155H.
Identifiers: ClinVar variation 1761222 (VCV001761222.4), dbSNP rs758016731, ClinGen allele CA7797364.
Genomic context (GRCh38, chr16:879,676, plus strand): 5'-CCGAGGAAGAGGAAGAAGGGCACCAGGAGCTCGATGAAGTGGTTGCTGAGCGTCTCGAAG[C>T]GATGGAACCACCAGGGTGAGTGGTGCAGGTAGTACGCCACAGGATTGGGCATCGGCTGGG-3'
Protein context (NP_073610.2, residues 254-274): YLHHSPWWFH[Arg264His]FETLSNHFIE

ClinVar aggregate classification (germline): Uncertain significance (1 of 4 stars; one submission).

Conditions:
Cardiovascular phenotype. Identifiers: MedGen CN230736.

Allele frequency attached by ClinVar (database versions not stated): gnomAD 0.00002; TOPMed 0.00002; ExAC 0.00005.
gnomAD v4.1: 29 of 1,609,474 alleles (0.0018%); highest among the groups gnomAD compares: South Asian, 0.011%; no homozygotes.

Submission:

Ambry Genetics
Classification: Uncertain significance for Cardiovascular phenotype. Last evaluated: 2025-11-24. Review status: criteria provided, single submitter. Criteria: Ambry Variant Classification Scheme 2023. Collection method: clinical testing. Allele origin: germline.
Comment: The p.R264H variant (also known as c.791G>A), located in coding exon 6 of the LMF1 gene, results from a G to A substitution at nucleotide position 791. The arginine at codon 264 is replaced by histidine, an amino acid with highly similar properties. This amino acid position is conserved. In addition, this alteration is predicted to be tolerated by in silico analysis. Since supporting evidence is limited at this time, the clinical significance of this alteration remains unclear.